The following is an entry in ClinVar:

NM_000751.3(CHRND):c.1066C>T (p.Pro356Ser)

Gene: CHRND (cholinergic receptor nicotinic delta subunit; plus strand). Cytogenetic location: 2q37.1.
Variant type: single nucleotide variant.
Coding change: c.1066C>T on transcript NM_000751.3 (MANE Select); coding-DNA position 1066, C replaced by T.
Protein change: p.Pro356Ser; replaces proline 356 with serine.
Molecular consequence: missense variant.
Genome position (GRCh38, 1-based): chr2:232,533,949, C>T. VCF-style: chr2-232533949-C-T. GRCh37 (hg19) VCF-style: chr2-233398659-C-T.
Other names: c.1021C>T, p.Pro341Ser (NM_001256657.2); c.484C>T, p.Pro162Ser (NM_001311195.2); c.763C>T, p.Pro255Ser (NM_001311196.2); c.1066C>T (NM_000751.1); short protein forms P356S, P255S, P162S, P341S.
Identifiers: ClinVar variation 286381 (VCV000286381.22), dbSNP rs147050939, ClinGen allele CA2168257.

ClinVar aggregate classification (germline): Uncertain significance. Review status: criteria provided, multiple submitters, no conflicts (2 of 4 stars). 6 submissions from 6 submitters: Uncertain significance (6). Last evaluated 2025-12-15.

Conditions:
Lethal multiple pterygium syndrome (LMPS). Identifiers: Orphanet 33108, MedGen C1854678, MONDO:0009668, OMIM 253290.
Inborn genetic diseases. Identifiers: MedGen C0950123, MeSH D030342.

Allele frequency attached by ClinVar (database versions not stated): gnomAD exomes 0.00044; 1000 Genomes Project 0.00020; gnomAD 0.00036 and 0.00035; TOPMed 0.00047; 1000 Genomes Project 30x 0.00031; ExAC 0.00051; ESP Exome Variant Server 0.00023.

Submissions (6):

Labcorp Genetics (formerly Invitae), Labcorp
Classification: Uncertain significance for Lethal multiple pterygium syndrome. Last evaluated: 2025-12-15. Review status: criteria provided, single submitter. Criteria: Invitae Variant Classification Sherloc (09022015). Collection method: clinical testing. Allele origin: germline.
Comment: This sequence change replaces proline, which is neutral and non-polar, with serine, which is neutral and polar, at codon 356 of the CHRND protein (p.Pro356Ser). This variant is present in population databases (rs147050939, gnomAD 0.08%), and has an allele count higher than expected for a pathogenic variant. This variant has not been reported in the literature in individuals affected with CHRND-related conditions. ClinVar contains an entry for this variant (Variation ID: 286381). Invitae Evidence Modeling of protein sequence and biophysical properties (such as structural, functional, and spatial information, amino acid conservation, physicochemical variation, residue mobility, and thermodynamic stability) has been performed for this missense variant. However, the output from this modeling did not meet the statistical confidence thresholds required to predict the impact of this variant on CHRND protein function. In summary, the available evidence is currently insufficient to determine the role of this variant in disease. Therefore, it has been classified as a Variant of Uncertain Significance.

GeneDx
Classification: Uncertain significance. Last evaluated: 2025-04-25. Review status: criteria provided, single submitter. Criteria: GeneDx Variant Classification Process June 2021. Collection method: clinical testing. Allele origin: germline.
Comment: Reported in an individual with unilateral superior retinal and optic nerve coloboma (PMID: 29522511); In silico analysis supports that this missense variant has a deleterious effect on protein structure/function; This variant is associated with the following publications: (PMID: 29522511)

Revvity Omics, Revvity
Classification: Uncertain significance. Last evaluated: 2022-12-14. Review status: criteria provided, single submitter. Criteria: ACMG Guidelines, 2015. Collection method: clinical testing. Allele origin: germline.

Ambry Genetics
Classification: Uncertain significance for Inborn genetic diseases. Last evaluated: 2021-09-17. Review status: criteria provided, single submitter. Criteria: Ambry Variant Classification Scheme 2023. Collection method: clinical testing. Allele origin: germline.

Eurofins Ntd Llc (ga)
Classification: Uncertain significance. Last evaluated: 2016-03-21. Review status: criteria provided, single submitter. Criteria: EGL Classification Definitions 2015. Collection method: clinical testing. Allele origin: germline. Observed: 2 variant alleles, 2 heterozygotes.

Breakthrough Genomics
Classification: Uncertain significance. Review status: criteria provided, single submitter. Criteria: ACMG Guidelines, 2015. Collection method: not provided. Allele origin: germline. Inheritance: Autosomal recessive inheritance. Affected: yes.